The following is an entry in ClinVar:

Conditions:
Long QT syndrome 5 (LQT5). Identifiers: Orphanet 101016, Orphanet 768, MedGen C1867904, MONDO:0013372, OMIM 613695.

Submission:

Roden Lab, Vanderbilt University Medical Center
No classification provided (evidence only). Condition: Long QT syndrome 5. Review status: no classification provided. Collection method: in vitro. Allele origin: not applicable. Functional consequence: Effect on ion channel function.
ClinVar note: "not provided" was previously submitted as the classification for the variant. However, the classification appeared to be based only on an observation of functional data so it was converted to no classification on 2025-07-30.

NM_000219.6(KCNE1):c.196A>T (p.Ile66Phe)

Gene: KCNE1 (potassium voltage-gated channel subfamily E regulatory subunit 1; minus strand). Cytogenetic location: 21q22.12.
Variant type: single nucleotide variant.
Coding change: c.196A>T on transcript NM_000219.6 (MANE Select); coding-DNA position 196, A replaced by T.
Protein change: p.Ile66Phe; replaces isoleucine 66 with phenylalanine.
Molecular consequence: missense variant.
Genome position (GRCh38, 1-based): chr21:34,449,439, T>A on the plus strand (A>T on the coding strand, the complement: KCNE1 is on the minus strand). VCF-style: chr21-34449439-T-A. GRCh37 (hg19) VCF-style: chr21-35821737-T-A.
Other names: c.196A>T, p.Ile66Phe (NM_001127668.4, NM_001127669.4, NM_001127670.4 and 4 more transcripts); short protein forms I66F.
Identifiers: ClinVar variation 3374304 (VCV003374304.2).
Genomic context (GRCh38, chr21:34,449,439, plus strand): 5'-CATCGGACTCGATGTAGACGTTGAATGGGTCGTTCGAGTGCTCCAGCTTCTTGGAGCGGA[T>A]GTAGCTCAGCATGATGCCCAGGGTGAAGAAGCCGAAGAATCCCAGTACCATGAGGACGTA-3'
Protein context (NP_000210.2, residues 56-76): FFTLGIMLSY[Ile66Phe]RSKKLEHSND